The following is an entry in ClinVar:

ClinVar aggregate classification (germline): Likely benign. Review status: criteria provided, multiple submitters, no conflicts (2 of 4 stars). 5 submissions from 5 submitters: Likely benign (5). Last evaluated 2026-01-26.

Conditions:
Congenital myasthenic syndrome 5. Identifiers: Orphanet 590, MedGen C1864233, MONDO:0011281, OMIM 603034.

Allele frequency attached by ClinVar (database versions not stated): 1000 Genomes Project 30x 0.00016; 1000 Genomes Project 0.00020; ESP Exome Variant Server 0.00062; TOPMed 0.00079; gnomAD 0.00080.

Submissions (5):

Labcorp Genetics (formerly Invitae), Labcorp
Classification: Likely benign for Congenital myasthenic syndrome 5. Last evaluated: 2026-01-26. Review status: criteria provided, single submitter. Criteria: Invitae Variant Classification Sherloc (09022015). Collection method: clinical testing. Allele origin: germline.

Mayo Clinic Laboratories, Mayo Clinic
Classification: Likely benign. Last evaluated: 2025-06-27. Review status: criteria provided, single submitter. Criteria: ACMG Guidelines, 2015. Collection method: clinical testing. Allele origin: germline. Observed: 1 variant allele.
Comment: BS1, BP4, BP7

Blueprint Genetics
Classification: Likely benign. Last evaluated: 2024-06-20. Review status: criteria provided, single submitter. Criteria: ACMG Guidelines, 2015. Collection method: clinical testing. Allele origin: germline.

Breakthrough Genomics
Classification: Likely benign. Review status: criteria provided, single submitter. Criteria: ACMG Guidelines, 2015. Collection method: not provided. Allele origin: germline. Inheritance: Autosomal recessive inheritance. Affected: yes.

PreventionGenetics, part of Exact Sciences
Classification: Likely benign. Review status: criteria provided, single submitter. Criteria: ACMG Guidelines, 2015. Collection method: clinical testing. Allele origin: germline.

NM_005677.4(COLQ):c.72G>A (p.Pro24=)

Gene: COLQ (collagen like tail subunit of asymmetric acetylcholinesterase; minus strand). Cytogenetic location: 3p25.1.
Variant type: single nucleotide variant.
Coding change: c.72G>A on transcript NM_005677.4 (MANE Select); coding-DNA position 72, G replaced by A.
Protein change: p.Pro24=; no amino-acid change (proline 24 retained).
Molecular consequence: synonymous variant.
Genome position (GRCh38, 1-based): chr3:15,521,554, C>T on the plus strand (G>A on the coding strand, the complement: COLQ is on the minus strand). VCF-style: chr3-15521554-C-T. GRCh37 (hg19) VCF-style: chr3-15563061-C-T.
Other names: p.Pro24=; c.72G>A, p.Pro24= (NM_080539.4).
Identifiers: ClinVar variation 259863 (VCV000259863.17), dbSNP rs111339593, ClinGen allele CA2276390.